The following is an entry in ClinVar:

ClinVar aggregate classification (germline): Uncertain significance (1 of 4 stars; one submission).

Conditions:
Cardiovascular phenotype. Identifiers: MedGen CN230736.

Submission:

Ambry Genetics
Classification: Uncertain significance for Cardiovascular phenotype. Last evaluated: 2024-03-04. Review status: criteria provided, single submitter. Criteria: Ambry Variant Classification Scheme 2023. Collection method: clinical testing. Allele origin: germline.
Comment: The p.P75S variant (also known as c.223C>T), located in coding exon 1 of the SNTA1 gene, results from a C to T substitution at nucleotide position 223. The proline at codon 75 is replaced by serine, an amino acid with similar properties. This amino acid position is conserved. In addition, this alteration is predicted to be tolerated by in silico analysis. Based on the available evidence, the clinical significance of this alteration remains unclear.

NM_003098.3(SNTA1):c.223C>T (p.Pro75Ser)

Gene: SNTA1 (syntrophin alpha 1; minus strand). Cytogenetic location: 20q11.21.
Variant type: single nucleotide variant.
Coding change: c.223C>T on transcript NM_003098.3 (MANE Select); coding-DNA position 223, C replaced by T.
Protein change: p.Pro75Ser; replaces proline 75 with serine.
Molecular consequence: missense variant.
Genome position (GRCh38, 1-based): chr20:33,443,398, G>A on the plus strand (C>T on the coding strand, the complement: SNTA1 is on the minus strand). VCF-style: chr20-33443398-G-A. GRCh37 (hg19) VCF-style: chr20-32031204-G-A.
Other names: c.223C>T, p.Pro75Ser (NM_001424413.1, NM_001424414.1); short protein forms P75S.
Identifiers: ClinVar variation 3223116 (VCV003223116.1), dbSNP rs2515129901, ClinGen allele CA408634129.